The following is an entry in ClinVar:

NM_005422.4(TECTA):c.1123G>A (p.Val375Ile)

Genes: TBCEL-TECTA (TBCEL-TECTA readthrough; plus strand), TECTA (tectorin alpha; plus strand). Cytogenetic location: 11q23.3.
Variant type: single nucleotide variant.
Coding change: c.1123G>A on transcript NM_005422.4 (MANE Select); coding-DNA position 1123, G replaced by A.
Protein change: p.Val375Ile; replaces valine 375 with isoleucine.
Molecular consequence: missense variant.
Genome position (GRCh38, 1-based): chr11:121,118,638, G>A. VCF-style: chr11-121118638-G-A. GRCh37 (hg19) VCF-style: chr11-120989347-G-A.
Other names: c.2080G>A, p.Val694Ile (NM_001378761.1); short protein forms V375I, V694I.
Identifiers: ClinVar variation 506244 (VCV000506244.8), dbSNP rs752254649, ClinGen allele CA6326676.

ClinVar aggregate classification (germline): Uncertain significance. Review status: criteria provided, multiple submitters, no conflicts (2 of 4 stars). 2 submissions from 2 submitters: Uncertain significance (2). Last evaluated 2021-04-12.

Conditions:
Hearing impairment. Also called: Impaired Hearing. Identifiers: MedGen C1384666, MONDO:0005365, HP:0000365.

Allele frequency attached by ClinVar (database versions not stated): ExAC 0.00005; gnomAD 0.00005 and 0.00006; gnomAD exomes 0.00005; TOPMed 0.00006.
gnomAD v4.1: 84 of 1,613,948 alleles (0.0052%); highest among the groups gnomAD compares: Non-Finnish European, 0.0062%; no homozygotes.

Submissions (2):

Department of Otolaryngology – Head & Neck Surgery, Cochlear Implant Center
Classification: Uncertain significance for Hearing impairment. Last evaluated: 2021-04-12. Review status: criteria provided, single submitter. Criteria: ClinGen HL ACMG Specifications v1. Collection method: clinical testing. Allele origin: germline. Affected: yes.
Comment: PM2_Moderate, PP2_Supporting

Laboratory for Molecular Medicine, Mass General Brigham Personalized Medicine
Classification: Uncertain significance. Last evaluated: 2018-01-09. Review status: criteria provided, single submitter. Criteria: LMM Criteria. Collection method: clinical testing. Allele origin: germline. Observed: 1 variant allele.
Comment: p.Val375Ile, c.1123G>A (TECTA; NM_005422.2; Chr11g.120989347G>A; GRCh37): The p. Val375Ile variant in TECTA has not been previously reported in individuals with hearing loss, but has been identified in 8/126686 of European chromosomes and 2/ 30782 of South Asian chromosomes by the Genome Aggregation Database (gnomAD; dbSNP 752254649). Although this variant has been seen in the general population, its frequency is not high enough to rule out a p athogenic role. Computational prediction tools and conservation analysis suggest that the p.Val375Ile variant may impact the protein, though this information is not predictive enough to determine pathogenicity. In summary, the clinical sign ificance of the p.Val375Ile variant is uncertain. ACMG/AMP Criteria applied: PM2 ; PP3